The following is an entry in ClinVar:

ClinVar aggregate classification (germline): Uncertain significance. Review status: criteria provided, multiple submitters, no conflicts (2 of 4 stars). 2 submissions from 2 submitters: Uncertain significance (2). Last evaluated 2025-05-08.

Conditions:
Hereditary cancer-predisposing syndrome. Also called: Neoplastic Syndromes, Hereditary; Tumor predisposition; Hereditary Cancer Syndrome; Hereditary neoplastic syndrome. Identifiers: Orphanet 140162, MedGen C0027672, MeSH D009386, MONDO:0015356.
POLD1-related polyposis and colorectal cancer syndrome (CRCS10). Also called: Colorectal cancer 10; COLORECTAL CANCER, SUSCEPTIBILITY TO, ON CHROMOSOME 19q; Colorectal cancer, susceptibility to, 10. Identifiers: Orphanet 220460, MedGen C2675481, MONDO:0012953, OMIM 612591.

Submissions (2):

Ambry Genetics
Classification: Uncertain significance for Hereditary cancer-predisposing syndrome. Last evaluated: 2025-05-08. Review status: criteria provided, single submitter. Criteria: Ambry Variant Classification Scheme 2023. Collection method: clinical testing. Allele origin: germline.
Comment: The p.W292C variant (also known as c.876G>T), located in coding exon 7 of the POLD1 gene, results from a G to T substitution at nucleotide position 876. The tryptophan at codon 292 is replaced by cysteine, an amino acid with highly dissimilar properties. This amino acid position is conserved. In addition, this alteration is predicted to be tolerated by in silico analysis. Since supporting evidence is limited at this time, the clinical significance of this alteration remains unclear.

Labcorp Genetics (formerly Invitae), Labcorp
Classification: Uncertain significance for POLD1-related polyposis and colorectal cancer syndrome. Last evaluated: 2022-11-24. Review status: criteria provided, single submitter. Criteria: Invitae Variant Classification Sherloc (09022015). Collection method: clinical testing. Allele origin: germline.
Comment: In summary, the available evidence is currently insufficient to determine the role of this variant in disease. Therefore, it has been classified as a Variant of Uncertain Significance. Advanced modeling of protein sequence and biophysical properties (such as structural, functional, and spatial information, amino acid conservation, physicochemical variation, residue mobility, and thermodynamic stability) performed at Invitae indicates that this missense variant is not expected to disrupt POLD1 protein function. ClinVar contains an entry for this variant (Variation ID: 1431253). This variant has not been reported in the literature in individuals affected with POLD1-related conditions. This variant is not present in population databases (gnomAD no frequency). This sequence change replaces tryptophan, which is neutral and slightly polar, with cysteine, which is neutral and slightly polar, at codon 292 of the POLD1 protein (p.Trp292Cys).

NM_002691.4(POLD1):c.876G>T (p.Trp292Cys)

Gene: POLD1 (DNA polymerase delta 1, catalytic subunit; plus strand). Cytogenetic location: 19q13.33.
Variant type: single nucleotide variant.
Coding change: c.876G>T on transcript NM_002691.4 (MANE Select); coding-DNA position 876, G replaced by T.
Protein change: p.Trp292Cys; replaces tryptophan 292 with cysteine.
Molecular consequence: missense variant. On other transcripts: non-coding transcript variant (1).
Genome position (GRCh38, 1-based): chr19:50,402,647, G>T. VCF-style: chr19-50402647-G-T. GRCh37 (hg19) VCF-style: chr19-50905904-G-T.
Other names: c.876G>T, p.Trp292Cys (NM_001256849.1, NM_001308632.1); short protein forms W292C.
Identifiers: ClinVar variation 1431253 (VCV001431253.11), dbSNP rs2122256606, ClinGen allele CA406976823.
Genomic context (GRCh38, chr19:50,402,647, plus strand): 5'-ACCGCTGACCCACCCATGCCCACAGGCTACGCAGTGCCAGCTGGAGGCGGACGTGCTGTG[G>T]TCTGACGTGGTCAGTCACCCACCGGAAGGGCCATGGCAGCGCATTGCGCCCTTGCGCGTG-3'
Protein context (NP_002682.2, residues 282-302): TQCQLEADVL[Trp292Cys]SDVVSHPPEG